The following is an entry in ClinVar:

NM_033026.6(PCLO):c.8454T>A (p.His2818Gln)

Gene: PCLO (piccolo presynaptic cytomatrix protein; minus strand). Cytogenetic location: 7q21.11.
Variant type: single nucleotide variant.
Coding change: c.8454T>A on transcript NM_033026.6 (MANE Select); coding-DNA position 8454, T replaced by A.
Protein change: p.His2818Gln; replaces histidine 2818 with glutamine.
Molecular consequence: missense variant.
Genome position (GRCh38, 1-based): chr7:82,952,499, A>T on the plus strand (T>A on the coding strand, the complement: PCLO is on the minus strand). VCF-style: chr7-82952499-A-T. GRCh37 (hg19) VCF-style: chr7-82581815-A-T.
Other names: c.8454T>A, p.His2818Gln (NM_014510.3); short protein forms H2818Q.
Identifiers: ClinVar variation 1492039 (VCV001492039.5), dbSNP rs1194883100, ClinGen allele CA367911118.
Genomic context (GRCh38, chr7:82,952,499, plus strand): 5'-TATCCTGTATGGGGGCTCAGCATGCTTTGATGTTGTAAGTTGGAGTGGTGTTGTCATTGC[A>T]TGTTCTGCACCCACTAGGCTTTCTGTGCCTGTAGTGTAACTTGCACTAGCTGTGCATGTG-3'
Protein context (NP_149015.2, residues 2808-2828): TGTESLVGAE[His2818Gln]AMTTPLQLTT

ClinVar aggregate classification (germline): Uncertain significance (1 of 4 stars; one submission).

Allele frequency attached by ClinVar (database versions not stated): gnomAD exomes below 0.00001; TOPMed below 0.00001; gnomAD 0.00001.
gnomAD v4.1: 4 of 1,613,782 alleles (0.00025%); highest among the groups gnomAD compares: Non-Finnish European, 0.00034%; no homozygotes.

Submission:

Labcorp Genetics (formerly Invitae), Labcorp
Classification: Uncertain significance. Last evaluated: 2022-01-14. Review status: criteria provided, single submitter. Criteria: Invitae Variant Classification Sherloc (09022015). Collection method: clinical testing. Allele origin: germline.
Comment: This sequence change replaces histidine, which is basic and polar, with glutamine, which is neutral and polar, at codon 2818 of the PCLO protein (p.His2818Gln). This variant is present in population databases (no rsID available, gnomAD 0.002%). This variant has not been reported in the literature in individuals affected with PCLO-related conditions. Algorithms developed to predict the effect of missense changes on protein structure and function output the following: SIFT: "Tolerated"; PolyPhen-2: "Not Available"; Align-GVGD: "Class C0". The glutamine amino acid residue is found in multiple mammalian species, which suggests that this missense change does not adversely affect protein function. In summary, the available evidence is currently insufficient to determine the role of this variant in disease. Therefore, it has been classified as a Variant of Uncertain Significance.